The following is an entry in ClinVar:

NM_000051.4(ATM):c.4436+2del

Gene: ATM (ATM serine/threonine kinase; plus strand). Cytogenetic location: 11q22.3.
Variant type: Deletion.
Coding change: c.4436+2del on transcript NM_000051.4 (MANE Select); the canonical splice donor site of the intron after coding-DNA position 4436, one base deleted (T; older notation c.4436+2delT).
Molecular consequence: splice donor variant.
Genome position (GRCh38, 1-based): chr11:108,289,803, T deleted. VCF-style (leftmost placement, unchanged base first): chr11-108289802-GT-G. GRCh37 (hg19) VCF-style: chr11-108160529-GT-G.
Other names: c.4436+2del (NM_001351834.2).
Identifiers: ClinVar variation 4866174 (VCV004866174.1).

ClinVar aggregate classification (germline): Likely pathogenic (1 of 4 stars; one submission).

Conditions:
Hereditary cancer-predisposing syndrome. Also called: Neoplastic Syndromes, Hereditary; Tumor predisposition; Hereditary Cancer Syndrome; Hereditary neoplastic syndrome. Identifiers: Orphanet 140162, MedGen C0027672, MeSH D009386, MONDO:0015356.

Submission:

Ambry Genetics
Classification: Likely pathogenic for Hereditary cancer-predisposing syndrome. Last evaluated: 2026-04-06. Review status: criteria provided, single submitter. Criteria: Ambry Variant Classification Scheme 2023. Collection method: clinical testing. Allele origin: germline.
Comment: The c.4436+2delT intronic variant, located in intron 28 of the ATM gene, results from a deletion of one nucleotide within intron 28 of the ATM gene. This nucleotide position is highly conserved in available vertebrate species. In silico splice site analysis predicts that this alteration will weaken the native splice donor site. RNA studies have demonstrated that this variant results in abnormal splicing in the set of samples tested (Ambry internal data). This variant is considered to be rare based on population cohorts in the Genome Aggregation Database (gnomAD). Based on the majority of available evidence to date, this variant is likely to be pathogenic.